The following is an entry in ClinVar:

NM_001195263.2(PDZD7):c.2099T>A (p.Val700Asp)

Gene: PDZD7 (PDZ domain containing 7; minus strand). Cytogenetic location: 10q24.31.
Variant type: single nucleotide variant.
Coding change: c.2099T>A on transcript NM_001195263.2 (MANE Select); coding-DNA position 2099, T replaced by A.
Protein change: p.Val700Asp; replaces valine 700 with aspartic acid.
Molecular consequence: missense variant.
Genome position (GRCh38, 1-based): chr10:101,010,790, A>T on the plus strand (T>A on the coding strand, the complement: PDZD7 is on the minus strand). VCF-style: chr10-101010790-A-T. GRCh37 (hg19) VCF-style: chr10-102770547-A-T.
Other names: short protein forms V700D.
Identifiers: ClinVar variation 2094181 (VCV002094181.4), dbSNP rs2492783898, ClinGen allele CA378225244.

ClinVar aggregate classification (germline): Uncertain significance (1 of 4 stars; one submission).

Submission:

Labcorp Genetics (formerly Invitae), Labcorp
Classification: Uncertain significance. Last evaluated: 2024-10-25. Review status: criteria provided, single submitter. Criteria: Invitae Variant Classification Sherloc (09022015). Collection method: clinical testing. Allele origin: germline.
Comment: This sequence change replaces valine, which is neutral and non-polar, with aspartic acid, which is acidic and polar, at codon 700 of the PDZD7 protein (p.Val700Asp). This variant is not present in population databases (gnomAD no frequency). This variant has not been reported in the literature in individuals affected with PDZD7-related conditions. ClinVar contains an entry for this variant (Variation ID: 2094181). Invitae Evidence Modeling of protein sequence and biophysical properties (such as structural, functional, and spatial information, amino acid conservation, physicochemical variation, residue mobility, and thermodynamic stability) indicates that this missense variant is not expected to disrupt PDZD7 protein function with a negative predictive value of 80%. In summary, the available evidence is currently insufficient to determine the role of this variant in disease. Therefore, it has been classified as a Variant of Uncertain Significance.